The following is an entry in ClinVar:

NM_002778.4(PSAP):c.777+1915C>T

Gene: PSAP (prosaposin; minus strand). Cytogenetic location: 10q22.1.
Variant type: single nucleotide variant.
Coding change: c.777+1915C>T on transcript NM_002778.4 (MANE Select); 1915 bases into the intron after coding-DNA position 777, C replaced by T.
Molecular consequence: intron variant.
Genome position (GRCh38, 1-based): chr10:71,823,922, G>A on the plus strand (C>T on the coding strand, the complement: PSAP is on the minus strand). VCF-style: chr10-71823922-G-A. GRCh37 (hg19) VCF-style: chr10-73583679-G-A.
Other names: c.778-29C>T (NM_001042466.3); c.778-26C>T (NM_001042465.3).
Identifiers: ClinVar variation 1490648 (VCV001490648.5), dbSNP rs759960679, ClinGen allele CA5547627.
Genomic context (GRCh38, chr10:71,823,922, plus strand): 5'-CTGCAAGCAGATTCCCCGACACATACCTGATCCTGCTGTTGAACAAAAAAACAGGAAATC[G>A]GAGGTGAAAATAAGAGAAAGGAAAGGACACAACAGTTAAGAAAAATTAAAACAACAATCA-3'

ClinVar aggregate classification (germline): Uncertain significance (1 of 4 stars; one submission).

Conditions:
Sphingolipid activator protein 1 deficiency. Also called: Metachromatic leukodystrophy due to saposin B deficiency; Saposin B Deficiency; METACHROMATIC LEUKODYSTROPHY DUE TO CEREBROSIDE SULFATASE ACTIVATOR DEFICIENCY. Identifiers: Orphanet 512, MedGen C0268262, MONDO:0009590, OMIM 249900.

Allele frequency attached by ClinVar (database versions not stated): gnomAD 0.00002; gnomAD exomes 0.00003; ExAC 0.00005.
gnomAD v4.1: 29 of 1,292,784 alleles (0.0022%); highest among the groups gnomAD compares: Middle Eastern, 0.021%; no homozygotes.

Submission:

Labcorp Genetics (formerly Invitae), Labcorp
Classification: Uncertain significance for Sphingolipid activator protein 1 deficiency. Last evaluated: 2021-10-14. Review status: criteria provided, single submitter. Criteria: Invitae Variant Classification Sherloc (09022015). Collection method: clinical testing. Allele origin: germline.
Comment: This sequence change falls in intron 7 of the PSAP gene. It does not directly change the encoded amino acid sequence of the PSAP protein. This variant is present in population databases (rs759960679, ExAC 0.01%). This variant has not been reported in the literature in individuals affected with PSAP-related conditions. Algorithms developed to predict the effect of sequence changes on RNA splicing suggest that this variant is not likely to affect RNA splicing. In summary, the available evidence is currently insufficient to determine the role of this variant in disease. Therefore, it has been classified as a Variant of Uncertain Significance.